The following is an entry in ClinVar:

ClinVar aggregate classification (germline): Uncertain significance (1 of 4 stars; one submission).

Submission:

Labcorp Genetics (formerly Invitae), Labcorp
Classification: Uncertain significance. Last evaluated: 2022-05-06. Review status: criteria provided, single submitter. Criteria: Invitae Variant Classification Sherloc (09022015). Collection method: clinical testing. Allele origin: germline.
Comment: This variant has not been reported in the literature in individuals affected with ZNF408-related conditions. This variant is not present in population databases (gnomAD no frequency). This sequence change replaces glutamic acid, which is acidic and polar, with alanine, which is neutral and non-polar, at codon 110 of the ZNF408 protein (p.Glu110Ala). In summary, the available evidence is currently insufficient to determine the role of this variant in disease. Therefore, it has been classified as a Variant of Uncertain Significance. Algorithms developed to predict the effect of sequence changes on RNA splicing suggest that this variant may disrupt the consensus splice site. Algorithms developed to predict the effect of missense changes on protein structure and function are either unavailable or do not agree on the potential impact of this missense change (SIFT: "Deleterious"; PolyPhen-2: "Benign"; Align-GVGD: "Class C0").

NM_024741.3(ZNF408):c.329A>C (p.Glu110Ala)

Gene: ZNF408 (zinc finger protein 408; plus strand). Cytogenetic location: 11p11.2.
Variant type: single nucleotide variant.
Coding change: c.329A>C on transcript NM_024741.3 (MANE Select); coding-DNA position 329, A replaced by C.
Protein change: p.Glu110Ala; replaces glutamic acid 110 with alanine.
Molecular consequence: missense variant.
Genome position (GRCh38, 1-based): chr11:46,701,675, A>C. VCF-style: chr11-46701675-A-C. GRCh37 (hg19) VCF-style: chr11-46723225-A-C.
Other names: c.305A>C, p.Glu102Ala (NM_001184751.2); short protein forms E110A, E102A.
Identifiers: ClinVar variation 2134855 (VCV002134855.4), dbSNP rs2502785341, ClinGen allele CA380251997.